The following is an entry in ClinVar:

NM_003907.3(EIF2B5):c.946C>T (p.Arg316Ter)

Gene: EIF2B5 (eukaryotic translation initiation factor 2B subunit epsilon; plus strand). Cytogenetic location: 3q27.1.
Variant type: single nucleotide variant.
Coding change: c.946C>T on transcript NM_003907.3 (MANE Select); coding-DNA position 946, C replaced by T.
Protein change: p.Arg316Ter; replaces arginine 316 with a stop codon.
Molecular consequence: nonsense.
Genome position (GRCh38, 1-based): chr3:184,140,520, C>T. VCF-style: chr3-184140520-C-T. GRCh37 (hg19) VCF-style: chr3-183858308-C-T.
Other names: short protein forms R316*.
Identifiers: ClinVar variation 1451793 (VCV001451793.6), dbSNP rs776227815, ClinGen allele CA88842878.

ClinVar aggregate classification (germline): Pathogenic (1 of 4 stars; one submission).

Allele frequency attached by ClinVar (database versions not stated): gnomAD 0.00001; gnomAD exomes 0.00001.

Submission:

Labcorp Genetics (formerly Invitae), Labcorp
Classification: Pathogenic. Last evaluated: 2021-09-14. Review status: criteria provided, single submitter. Criteria: Invitae Variant Classification Sherloc (09022015). Collection method: clinical testing. Allele origin: germline.
Comment: For these reasons, this variant has been classified as Pathogenic. This variant has not been reported in the literature in individuals affected with EIF2B5-related conditions. This variant is not present in population databases (ExAC no frequency). This sequence change creates a premature translational stop signal (p.Arg316*) in the EIF2B5 gene. It is expected to result in an absent or disrupted protein product. Loss-of-function variants in EIF2B5 are known to be pathogenic (PMID: 11704758, 15060152, 21307862).

Literature cited by the submitters: PubMed 11704758; PubMed 15060152; PubMed 21307862.